The following is an entry in ClinVar:

NM_001983.4(ERCC1):c.870C>T (p.His290=)

Genes: ERCC1 (ERCC excision repair 1, endonuclease non-catalytic subunit; minus strand), POLR1G (RNA polymerase I subunit G; plus strand). Cytogenetic location: 19q13.32.
Variant type: single nucleotide variant.
Coding change: c.870C>T on transcript NM_001983.4 (MANE Select); coding-DNA position 870, C replaced by T.
Protein change: p.His290=; no amino-acid change (histidine 290 retained).
Molecular consequence: synonymous variant. On other transcripts: 3 prime UTR variant (2).
Genome position (GRCh38, 1-based): chr19:45,409,699, G>A on the plus strand (C>T on the coding strand, the complement: ERCC1 is on the minus strand). VCF-style: chr19-45409699-G-A. GRCh37 (hg19) VCF-style: chr19-45912957-G-A.
Other names: c.*198G>A (NM_001297590.3, NM_012099.3); c.798C>T, p.His266= (NM_001166049.2, NM_001369417.1, NM_001369418.1 and 1 more transcripts); c.870C>T, p.His290= (NM_001369412.1, NM_001369413.1, NM_001369414.1 and 2 more transcripts).
Identifiers: ClinVar variation 2650110 (VCV002650110.24), dbSNP rs374407868, ClinGen allele CA9515222.

ClinVar aggregate classification (germline): Likely benign (1 of 4 stars; one submission).

Allele frequency attached by ClinVar (database versions not stated): ESP Exome Variant Server 0.00008.
gnomAD v4.1: 30 of 958,468 alleles (0.0031%); highest among the groups gnomAD compares: Middle Eastern, 0.11%; no homozygotes.

Submission:

CeGaT Center for Human Genetics Tuebingen
Classification: Likely benign. Last evaluated: 2023-08-01. Review status: criteria provided, single submitter. Criteria: CeGaT Center For Human Genetics Tuebingen Variant Classification Criteria Version 2. Collection method: clinical testing. Allele origin: germline. Affected: yes. Observed: 3 variant alleles.
Comment: ERCC1: BP4, BP7